The following is an entry in ClinVar:

ClinVar aggregate classification (germline): Uncertain significance. Review status: criteria provided, multiple submitters, no conflicts (2 of 4 stars). 3 submissions from 3 submitters: Uncertain significance (3). Last evaluated 2026-01-09.

Conditions:
Inborn genetic diseases. Identifiers: MedGen C0950123, MeSH D030342.

Allele frequency attached by ClinVar (database versions not stated): gnomAD exomes 0.00001; TOPMed below 0.00001.

Submissions (3):

Labcorp Genetics (formerly Invitae), Labcorp
Classification: Uncertain significance. Last evaluated: 2026-01-09. Review status: criteria provided, single submitter. Criteria: Invitae Variant Classification Sherloc (09022015). Collection method: clinical testing. Allele origin: germline.
Comment: This sequence change replaces methionine, which is neutral and non-polar, with valine, which is neutral and non-polar, at codon 115 of the SAMD9L protein (p.Met115Val). This variant is present in population databases (no rsID available, gnomAD 0.003%). This variant has not been reported in the literature in individuals affected with SAMD9L-related conditions. ClinVar contains an entry for this variant (Variation ID: 1969113). An algorithm developed to predict the effect of missense changes on protein structure and function outputs the following: PolyPhen-2: "Benign". The valine amino acid residue is found in multiple mammalian species, which suggests that this missense change does not adversely affect protein function. In summary, the available evidence is currently insufficient to determine the role of this variant in disease. Therefore, it has been classified as a Variant of Uncertain Significance.

Ambry Genetics
Classification: Uncertain significance for Inborn genetic diseases. Last evaluated: 2025-09-01. Review status: criteria provided, single submitter. Criteria: Ambry Variant Classification Scheme 2023. Collection method: clinical testing. Allele origin: germline.

GeneDx
Classification: Uncertain significance. Last evaluated: 2024-06-17. Review status: criteria provided, single submitter. Criteria: GeneDx Variant Classification Process June 2021. Collection method: clinical testing. Allele origin: germline. Affected: yes.
Comment: Not observed at significant frequency in large population cohorts (gnomAD); In silico analysis indicates that this missense variant does not alter protein structure/function; Has not been previously published as pathogenic or benign to our knowledge

NM_152703.5(SAMD9L):c.343A>G (p.Met115Val)

Gene: SAMD9L (sterile alpha motif domain containing 9 like; minus strand). Cytogenetic location: 7q21.2.
Variant type: single nucleotide variant.
Coding change: c.343A>G on transcript NM_152703.5 (MANE Select); coding-DNA position 343, A replaced by G.
Protein change: p.Met115Val; replaces methionine 115 with valine.
Molecular consequence: missense variant.
Genome position (GRCh38, 1-based): chr7:93,135,629, T>C on the plus strand (A>G on the coding strand, the complement: SAMD9L is on the minus strand). VCF-style: chr7-93135629-T-C. GRCh37 (hg19) VCF-style: chr7-92764942-T-C.
Other names: c.343A>G (NM_152703.3, NM_152703.2); c.343A>G, p.Met115Val (NM_001303496.3, NM_001303497.3, NM_001303498.3 and 5 more transcripts); short protein forms M115V.
Identifiers: ClinVar variation 1969113 (VCV001969113.7), dbSNP rs1391057589, ClinGen allele CA368205947.
Genomic context (GRCh38, chr7:93,135,629, plus strand): 5'-TTGATTCTTCTTGTTTGATATCTCTGATCTCTCTGGGATCATAATCAATATTAGATGACA[T>C]TGAATTTTCTTCTTCCTTTTTGGTGTGTTTTGGATTTTTCTGGTGTTCTGTTTTGGACGG-3'
Protein context (NP_689916.2, residues 105-125): KHTKKEEENS[Met115Val]SSNIDYDPRE